The following is an entry in ClinVar:

ClinVar aggregate classification (somatic clinical impact): Tier I - Strong (1 of 4 stars; one submission).

Conditions:
Diffuse glioma, H3 G34 mutant. Identifiers: MedGen CN377580, MONDO:0957197.

Submission:

Institute for Genomic Medicine (IGM) Clinical Laboratory, Nationwide Children's Hospital
Classification: Tier I - Strong for Diffuse glioma, H3 G34 mutant. Assertion type: diagnostic. Clinical significance: supports diagnosis. Last evaluated: 2023-12-15. Review status: criteria provided, single submitter. Criteria: AMP/ASCO/CAP Guidelines, 2017. Collection method: clinical testing. Allele origin: somatic. Affected: yes.
Comment: Variant has Tier I (strong) clinical significance as a diagnostic inclusion criterion in diffuse glioma, H3 G34 mutant, based on the following evidence: 1) Appears in one or more well-established professional guidelines (e.g., World Health Organization [WHO]; National Comprehensive Cancer Network [NCCN]) as providing diagnostic, prognostic, or therapeutic information. 2) Diagnostic for a specific tumor type/classification based on well-powered studies with expert-level consensus (Evidence Level B; PMIDs: 24705250, 24705251, 25230881, 28966033, 29763623, 33259802, 35195909).

Literature cited by the submitters: PubMed 24705250; PubMed 24705251; PubMed 25230881; PubMed 28966033; PubMed 29763623; PubMed 33259802; PubMed 35195909.

NM_006206.6(PDGFRA):c.869G>C (p.Cys290Ser)

Gene: PDGFRA (platelet derived growth factor receptor alpha; plus strand). Cytogenetic location: 4q12.
Variant type: single nucleotide variant.
Coding change: c.869G>C on transcript NM_006206.6 (MANE Select); coding-DNA position 869, G replaced by C.
Protein change: p.Cys290Ser; replaces cysteine 290 with serine.
Molecular consequence: missense variant.
Genome position (GRCh38, 1-based): chr4:54,267,398, G>C. VCF-style: chr4-54267398-G-C. GRCh37 (hg19) VCF-style: chr4-55133565-G-C.
Other names: c.869G>C, p.Cys290Ser (NM_001347827.2, NM_001347829.2); c.944G>C, p.Cys315Ser (NM_001347828.2); c.908G>C, p.Cys303Ser (NM_001347830.2); short protein forms C290S, C303S, C315S.
Identifiers: ClinVar variation 4530339 (VCV004530339.1).